The following is an entry in ClinVar:

NM_006565.4(CTCF):c.1275C>T (p.His425=)

Gene: CTCF (CCCTC-binding factor; plus strand). Cytogenetic location: 16q22.1.
Variant type: single nucleotide variant.
Coding change: c.1275C>T on transcript NM_006565.4 (MANE Select); coding-DNA position 1275, C replaced by T.
Protein change: p.His425=; no amino-acid change (histidine 425 retained).
Molecular consequence: synonymous variant.
Genome position (GRCh38, 1-based): chr16:67,621,509, C>T. VCF-style: chr16-67621509-C-T. GRCh37 (hg19) VCF-style: chr16-67655412-C-T.
Other names: c.291C>T, p.His97= (NM_001191022.2); c.1275C>T, p.His425= (NM_001363916.2, NM_001438968.1, NM_001438969.1).
Identifiers: ClinVar variation 4534402 (VCV004534402.6).

ClinVar aggregate classification (germline): Likely benign (1 of 4 stars; one submission).

gnomAD v4.1: 1 of 1,612,350 alleles (0.000062%); highest among the groups gnomAD compares: Non-Finnish European, 0.000085%; no homozygotes.

Submission:

CeGaT Center for Human Genetics Tuebingen
Classification: Likely benign. Last evaluated: 2025-10-01. Review status: criteria provided, single submitter. Criteria: CeGaT Center For Human Genetics Tuebingen Variant Classification Criteria Version 2. Collection method: clinical testing. Allele origin: germline. Affected: yes. Observed: 1 variant allele.
Comment: CTCF: PM2:Supporting, BP4, BP7